The following is an entry in ClinVar:

ClinVar aggregate classification (germline): Likely benign (1 of 4 stars; one submission).

Submission:

CeGaT Center for Human Genetics Tuebingen
Classification: Likely benign. Last evaluated: 2023-05-01. Review status: criteria provided, single submitter. Criteria: CeGaT Center For Human Genetics Tuebingen Variant Classification Criteria Version 2. Collection method: clinical testing. Allele origin: germline. Affected: yes. Observed: 1 variant allele.
Comment: MEGF8: PM2:Supporting, BP4, BP7

NM_001271938.2(MEGF8):c.7761G>C (p.Leu2587=)

Gene: MEGF8 (multiple EGF like domains 8; plus strand). Cytogenetic location: 19q13.2.
Variant type: single nucleotide variant.
Coding change: c.7761G>C on transcript NM_001271938.2 (MANE Select); coding-DNA position 7761, G replaced by C.
Protein change: p.Leu2587=; no amino-acid change (leucine 2587 retained).
Molecular consequence: synonymous variant.
Genome position (GRCh38, 1-based): chr19:42,375,998, G>C. VCF-style: chr19-42375998-G-C. GRCh37 (hg19) VCF-style: chr19-42880150-G-C.
Other names: c.7560G>C, p.Leu2520= (NM_001410.3).
Identifiers: ClinVar variation 2650037 (VCV002650037.24), dbSNP rs2514360003, ClinGen allele CA507708484.